The following is an entry in ClinVar:

NM_025137.4(SPG11):c.6511G>A (p.Glu2171Lys)

Gene: SPG11 (SPG11 vesicle trafficking associated, spatacsin; minus strand). Cytogenetic location: 15q21.1.
Variant type: single nucleotide variant.
Coding change: c.6511G>A on transcript NM_025137.4 (MANE Select); coding-DNA position 6511, G replaced by A.
Protein change: p.Glu2171Lys; replaces glutamic acid 2171 with lysine.
Molecular consequence: missense variant.
Genome position (GRCh38, 1-based): chr15:44,569,472, C>T on the plus strand (G>A on the coding strand, the complement: SPG11 is on the minus strand). VCF-style: chr15-44569472-C-T. GRCh37 (hg19) VCF-style: chr15-44861670-C-T.
Other names: c.6172G>A, p.Glu2058Lys (NM_001160227.2); short protein forms E2171K, E2058K.
Identifiers: ClinVar variation 534837 (VCV000534837.9), dbSNP rs1051526194, ClinGen allele CA270061576.

ClinVar aggregate classification (germline): Uncertain significance (1 of 4 stars; one submission).

Conditions:
Hereditary spastic paraplegia 11. Also called: Nakamura Osame syndrome; Autosomal recessive hereditary spastic paraplegia, mental impairment, and thin corpus callosum; Spastic paraplegia, mental retardation and thin corpus callosum; SPASTIC PARAPLEGIA, AUTOSOMAL RECESSIVE, COMPLICATED, WITH THIN CORPUS CALLOSUM; SPASTIC PARAPLEGIA, AUTOSOMAL RECESSIVE, WITH MENTAL IMPAIRMENT AND THIN CORPUS CALLOSUM; Spastic Paraplegia 11. Identifiers: Orphanet 2822, MedGen C1858479, MONDO:0011445, OMIM 604360.

Allele frequency attached by ClinVar (database versions not stated): gnomAD 0.00001; TOPMed 0.00001.
gnomAD v4.1: 27 of 1,601,668 alleles (0.0017%); highest among the groups gnomAD compares: African/African-American, 0.0027%; no homozygotes.

Submission:

Labcorp Genetics (formerly Invitae), Labcorp
Classification: Uncertain significance for Hereditary spastic paraplegia 11. Last evaluated: 2021-08-27. Review status: criteria provided, single submitter. Criteria: Invitae Variant Classification Sherloc (09022015). Collection method: clinical testing. Allele origin: germline.
Comment: This sequence change replaces glutamic acid with lysine at codon 2171 of the SPG11 protein (p.Glu2171Lys). The glutamic acid residue is highly conserved and there is a small physicochemical difference between glutamic acid and lysine. This variant is not present in population databases (ExAC no frequency). This variant has not been reported in the literature in individuals affected with SPG11-related conditions. ClinVar contains an entry for this variant (Variation ID: 534837). Algorithms developed to predict the effect of missense changes on protein structure and function are either unavailable or do not agree on the potential impact of this missense change (SIFT: "Deleterious"; PolyPhen-2: "Possibly Damaging"; Align-GVGD: "Class C0"). In summary, the available evidence is currently insufficient to determine the role of this variant in disease. Therefore, it has been classified as a Variant of Uncertain Significance.